The following is an entry in ClinVar:

NM_130810.4(DNAAF4):c.491A>G (p.Glu164Gly)

Genes: DNAAF4 (dynein axonemal assembly factor 4; minus strand), DNAAF4-CCPG1 (DNAAF4-CCPG1 readthrough (NMD candidate); minus strand). Cytogenetic location: 15q21.3.
Variant type: single nucleotide variant.
Coding change: c.491A>G on transcript NM_130810.4 (MANE Select); coding-DNA position 491, A replaced by G.
Protein change: p.Glu164Gly; replaces glutamic acid 164 with glycine.
Molecular consequence: missense variant. On other transcripts: non-coding transcript variant (1).
Genome position (GRCh38, 1-based): chr15:55,467,076, T>C on the plus strand (A>G on the coding strand, the complement: DNAAF4 is on the minus strand). VCF-style: chr15-55467076-T-C. GRCh37 (hg19) VCF-style: chr15-55759274-T-C.
Other names: c.491A>G, p.Glu164Gly (NM_001033559.3, NM_001033560.2); short protein forms E164G.
Identifiers: ClinVar variation 2038095 (VCV002038095.4), dbSNP rs1366137077, ClinGen allele CA392553682.
Genomic context (GRCh38, chr15:55,467,076, plus strand): 5'-TTTTGACATAATTTCTCTTCTCTCTGAATTTTTTTTTGCTCCTCAGCTTTTCTTTGATAT[T>C]CTTTCCAGGCTTCCAATGCTTTAGTGGCTTTTATCCGTTCATTTTCTTTCATATCTTCTA-3'
Protein context (NP_570722.2, residues 154-174): KATKALEAWK[Glu164Gly]YQRKAEEQKK

ClinVar aggregate classification (germline): Uncertain significance (1 of 4 stars; one submission).

Allele frequency attached by ClinVar (database versions not stated): gnomAD exomes below 0.00001.

Submission:

Labcorp Genetics (formerly Invitae), Labcorp
Classification: Uncertain significance. Last evaluated: 2024-03-14. Review status: criteria provided, single submitter. Criteria: Invitae Variant Classification Sherloc (09022015). Collection method: clinical testing. Allele origin: germline.
Comment: This sequence change replaces glutamic acid, which is acidic and polar, with glycine, which is neutral and non-polar, at codon 164 of the DNAAF4 protein (p.Glu164Gly). This variant is present in population databases (no rsID available, gnomAD 0.004%). This variant has not been reported in the literature in individuals affected with DNAAF4-related conditions. ClinVar contains an entry for this variant (Variation ID: 2038095). Advanced modeling of protein sequence and biophysical properties (such as structural, functional, and spatial information, amino acid conservation, physicochemical variation, residue mobility, and thermodynamic stability) performed at Invitae indicates that this missense variant is not expected to disrupt DNAAF4 protein function with a negative predictive value of 80%. In summary, the available evidence is currently insufficient to determine the role of this variant in disease. Therefore, it has been classified as a Variant of Uncertain Significance.